The following is an entry in ClinVar:

NM_016628.5(WAC):c.172del (p.Met58fs)

Gene: WAC (WW domain containing adaptor with coiled-coil; plus strand). Cytogenetic location: 10p12.1.
Variant type: Deletion.
Coding change: c.172del on transcript NM_016628.5 (MANE Select); coding-DNA position 172, one base deleted (A; older notation c.172delA).
Protein change: p.Met58fs; shifts the reading frame from methionine 58.
Molecular consequence: frameshift variant.
Genome position (GRCh38, 1-based): chr10:28,535,655, A deleted; the last of 4 consecutive A bases (chr10:28,535,652-28,535,655); deleting any one gives the same sequence. VCF-style (leftmost placement, unchanged base first): chr10-28535651-TA-T. GRCh37 (hg19) VCF-style: chr10-28824580-TA-T.
Other names: c.37del, p.Met13fs (NM_100264.3); c.172del, p.Met58fs (NM_100486.4); short protein forms M13fs, M58fs.
Identifiers: ClinVar variation 4891193 (VCV004891193.1).

ClinVar aggregate classification (germline): Likely pathogenic (1 of 4 stars; one submission).

Conditions:
DeSanto-Shinawi syndrome due to WAC point mutation (DESSH). Also called: DEVELOPMENTAL DELAY, BEHAVIORAL ABNORMALITIES, FACIAL DYSMORPHISM, AND OCULAR ABNORMALITIES; Facial dysmorphism-developmental delay-behavioral abnormalities syndrome due to WAC point mutation; WAC-Related Intellectual Disability. Identifiers: Orphanet 284169, Orphanet 466950, MedGen C5681129, MONDO:0014741, OMIM 616708.

Submission:

Greenwood Genetic Center Diagnostic Laboratories, Greenwood Genetic Center
Classification: Likely pathogenic for DeSanto-Shinawi syndrome due to WAC point mutation. Last evaluated: 2026-04-03. Review status: criteria provided, single submitter. Criteria: ACMG Guidelines, 2015. Collection method: clinical testing. Allele origin: germline. Affected: yes.
Comment: PVS1, PM2